The following is an entry in ClinVar:

NM_007078.3(LDB3):c.575C>G (p.Pro192Arg)

Gene: LDB3 (LIM domain binding 3; plus strand). Cytogenetic location: 10q23.2.
Variant type: single nucleotide variant.
Coding change: c.575C>G on transcript NM_007078.3 (MANE Select); coding-DNA position 575, C replaced by G.
Protein change: p.Pro192Arg; replaces proline 192 with arginine.
Molecular consequence: missense variant. On other transcripts: intron variant (5).
Genome position (GRCh38, 1-based): chr10:86,681,689, C>G. VCF-style: chr10-86681689-C-G. GRCh37 (hg19) VCF-style: chr10-88441446-C-G.
Other names: c.575C>G, p.Pro192Arg (NM_001080115.2, NM_001171610.2, NM_001171611.2 and 3 more transcripts); c.321+1532C>G (NM_001368068.1, NM_001368066.1, NM_001080114.2 and 2 more transcripts); short protein forms P192R.
Identifiers: ClinVar variation 1664823 (VCV001664823.8), dbSNP rs758182278, ClinGen allele CA377454843.

ClinVar aggregate classification (germline): Uncertain significance (1 of 4 stars; one submission).

Conditions:
Myofibrillar myopathy 4. Also called: Zaspopathy (type). Identifiers: Orphanet 98912, MedGen C4721886, MONDO:0012277, OMIM 609452.

Submission:

Labcorp Genetics (formerly Invitae), Labcorp
Classification: Uncertain significance for Myofibrillar myopathy 4. Last evaluated: 2023-05-23. Review status: criteria provided, single submitter. Criteria: Invitae Variant Classification Sherloc (09022015). Collection method: clinical testing. Allele origin: germline.
Comment: In summary, the available evidence is currently insufficient to determine the role of this variant in disease. Therefore, it has been classified as a Variant of Uncertain Significance. Algorithms developed to predict the effect of sequence changes on RNA splicing suggest that this variant is not likely to affect RNA splicing. Experimental studies and prediction algorithms are not available or were not evaluated, and the functional significance of this variant is currently unknown. ClinVar contains an entry for this variant (Variation ID: 1664823). This variant has not been reported in the literature in individuals affected with LDB3-related conditions. This variant is not present in population databases (gnomAD no frequency). This sequence change replaces proline, which is neutral and non-polar, with arginine, which is basic and polar, at codon 192 of the LDB3 protein (p.Pro192Arg). The LDB3 gene has multiple clinically relevant transcripts. This variant occurs in alternate transcript NM_007078.3, and corresponds to NM_001080116.1:c.321+1532C>G in the primary transcript.